The following is an entry in ClinVar:

NM_001377540.1(SLMAP):c.2189T>A (p.Met730Lys)

Gene: SLMAP (sarcolemma associated protein; plus strand). Cytogenetic location: 3p14.3.
Variant type: single nucleotide variant.
Coding change: c.2189T>A on transcript NM_001377540.1 (MANE Select); coding-DNA position 2189, T replaced by A.
Protein change: p.Met730Lys; replaces methionine 730 with lysine.
Molecular consequence: missense variant. On other transcripts: non-coding transcript variant (1).
Genome position (GRCh38, 1-based): chr3:57,916,956, T>A. VCF-style: chr3-57916956-T-A. GRCh37 (hg19) VCF-style: chr3-57902683-T-A.
Other names: c.2138T>A, p.Met713Lys (NM_001304420.3, NM_001377541.1, NM_001377542.1); c.2024T>A, p.Met675Lys (NM_001304421.2, NM_001377557.1, NM_001377559.1); c.740T>A, p.Met247Lys (NM_001304422.3, NM_001311178.2); c.542T>A, p.Met181Lys (NM_001304423.3); c.617T>A, p.Met206Lys (NM_001311179.2, NM_001377926.1, NM_001377927.1); c.2210T>A, p.Met737Lys (NM_001377538.1); c.2189T>A, p.Met730Lys (NM_001377539.1); c.2126T>A, p.Met709Lys (NM_001377545.1); and 8 more; short protein forms M181K, M206K, M247K, M634K, M651K, M655K, M668K, M672K.
Identifiers: ClinVar variation 1006784 (VCV001006784.8), dbSNP rs371314097, ClinGen allele CA2467320.

ClinVar aggregate classification (germline): Uncertain significance. Review status: criteria provided, multiple submitters, no conflicts (2 of 4 stars). 2 submissions from 2 submitters: Uncertain significance (2). Last evaluated 2025-01-09.

Conditions:
Brugada syndrome. Also called: Sudden Unexplained Death Syndrome; Sudden Unexplained Nocturnal Death Syndrome (SUNDS); Sudden unexpected nocturnal death syndrome; Sudden unexplained nocturnal death syndrome. Identifiers: Orphanet 130, MedGen C1142166, MONDO:0015263.

Allele frequency attached by ClinVar (database versions not stated): ExAC 0.00002; gnomAD 0.00002; gnomAD exomes 0.00002 and 0.00005; TOPMed 0.00003; ESP Exome Variant Server 0.00008.
gnomAD v4.1: 73 of 1,613,824 alleles (0.0045%); highest among the groups gnomAD compares: Non-Finnish European, 0.0058%; no homozygotes.

Submissions (2):

Ambry Genetics
Classification: Uncertain significance. Last evaluated: 2025-01-09. Review status: criteria provided, single submitter. Criteria: Ambry Variant Classification Scheme 2023. Collection method: clinical testing. Allele origin: germline.

Labcorp Genetics (formerly Invitae), Labcorp
Classification: Uncertain significance for Brugada syndrome. Last evaluated: 2024-12-03. Review status: criteria provided, single submitter. Criteria: Invitae Variant Classification Sherloc (09022015). Collection method: clinical testing. Allele origin: germline.
Comment: This sequence change replaces methionine, which is neutral and non-polar, with lysine, which is basic and polar, at codon 696 of the SLMAP protein (p.Met696Lys). This variant is present in population databases (rs371314097, gnomAD 0.006%). This variant has not been reported in the literature in individuals affected with SLMAP-related conditions. ClinVar contains an entry for this variant (Variation ID: 1006784). An algorithm developed to predict the effect of missense changes on protein structure and function (PolyPhen-2) suggests that this variant is likely to be tolerated. In summary, the available evidence is currently insufficient to determine the role of this variant in disease. Therefore, it has been classified as a Variant of Uncertain Significance.